The following is an entry in ClinVar:

NM_001267550.2(TTN):c.45089A>C (p.Glu15030Ala)

Genes: TTN (titin; minus strand), LOC126806427 (BRD4-independent group 4 enhancer GRCh37_chr2:179485777-179486976; plus strand). Cytogenetic location: 2q31.2.
Variant type: single nucleotide variant.
Coding change: c.45089A>C on transcript NM_001267550.2 (MANE Select); coding-DNA position 45089, A replaced by C.
Protein change: p.Glu15030Ala; replaces glutamic acid 15030 with alanine.
Molecular consequence: missense variant.
Genome position (GRCh38, 1-based): chr2:178,621,735, T>G on the plus strand (A>C on the coding strand, the complement: TTN is on the minus strand). VCF-style: chr2-178621735-T-G. GRCh37 (hg19) VCF-style: chr2-179486462-T-G.
Other names: p.Glu13389Ala; c.40166A>C, p.Glu13389Ala (NM_001256850.1); c.17894A>C, p.Glu5965Ala (NM_003319.4); c.37385A>C, p.Glu12462Ala (NM_133378.4); c.18269A>C, p.Glu6090Ala (NM_133432.3); c.18470A>C, p.Glu6157Ala (NM_133437.4); short protein forms E15030A, E12462A, E6157A, E6090A, E13389A, E5965A.
Identifiers: ClinVar variation 1780137 (VCV001780137.3), dbSNP rs747875588, ClinGen allele CA1995497.
Genomic context (GRCh38, chr2:178,621,735, plus strand): 5'-AGTTTTATAGTGTCTGTTTCACTAACTTCAATGTTGGCAAGATTTTTGGTAAAGACAGCT[T>G]CTTCTTCTGCAAGCATTGAAAAAACAAAAACCACATTGAGTTAAGCTGGAAATTATTATT-3'
Protein context (NP_001254479.2, residues 15020-15040): TSGMLTVLEE[Glu15030Ala]AVFTKNLANI

ClinVar aggregate classification (germline): Uncertain significance. Review status: criteria provided, multiple submitters, no conflicts (2 of 4 stars). 2 submissions from 2 submitters: Uncertain significance (2). Last evaluated 2025-05-13.

Conditions:
Cardiovascular phenotype. Identifiers: MedGen CN230736.

Allele frequency attached by ClinVar (database versions not stated): TOPMed 0.00002; gnomAD 0.00001; gnomAD exomes 0.00001; ExAC 0.00002.
gnomAD v4.1: 18 of 1,610,134 alleles (0.0011%); highest among the groups gnomAD compares: Middle Eastern, 0.033%; no homozygotes.

Submissions (2):

Mayo Clinic Laboratories, Mayo Clinic
Classification: Uncertain significance. Last evaluated: 2025-05-13. Review status: criteria provided, single submitter. Criteria: ACMG Guidelines, 2015. Collection method: clinical testing. Allele origin: germline. Observed: 1 variant allele.

Ambry Genetics
Classification: Uncertain significance for Cardiovascular phenotype. Last evaluated: 2020-01-10. Review status: criteria provided, single submitter. Criteria: Ambry Variant Classification Scheme 2023. Collection method: clinical testing. Allele origin: germline.
Comment: The p.E5965A variant (also known as c.17894A>C), located in coding exon 72 of the TTN gene, results from an A to C substitution at nucleotide position 17894. The glutamic acid at codon 5965 is replaced by alanine, an amino acid with dissimilar properties. This amino acid position is highly conserved in available vertebrate species. In addition, this alteration is predicted to be tolerated by in silico analysis. Since supporting evidence is limited at this time, the clinical significance of this alteration remains unclear.